The following is an entry in ClinVar:

ClinVar aggregate classification (germline): Uncertain significance (1 of 4 stars; one submission).

Submission:

GeneDx
Classification: Uncertain significance. Last evaluated: 2020-01-06. Review status: criteria provided, single submitter. Criteria: GeneDx Variant Classification Process June 2021. Collection method: clinical testing. Allele origin: germline. Affected: yes.
Comment: Not observed in large population cohorts (Lek et al., 2016); In silico analysis, which includes protein predictors and evolutionary conservation, supports that this variant does not alter protein structure/function; Has not been previously published as pathogenic or benign to our knowledge

NM_025137.4(SPG11):c.5453C>G (p.Thr1818Arg)

Gene: SPG11 (SPG11 vesicle trafficking associated, spatacsin; minus strand). Cytogenetic location: 15q21.1.
Variant type: single nucleotide variant.
Coding change: c.5453C>G on transcript NM_025137.4 (MANE Select); coding-DNA position 5453, C replaced by G.
Protein change: p.Thr1818Arg; replaces threonine 1818 with arginine.
Molecular consequence: missense variant.
Genome position (GRCh38, 1-based): chr15:44,584,227, G>C on the plus strand (C>G on the coding strand, the complement: SPG11 is on the minus strand). VCF-style: chr15-44584227-G-C. GRCh37 (hg19) VCF-style: chr15-44876425-G-C.
Other names: c.5453C>G, p.Thr1818Arg (NM_001160227.2); short protein forms T1818R.
Identifiers: ClinVar variation 1311743 (VCV001311743.2), dbSNP rs2140946992, ClinGen allele CA392222508.
Genomic context (GRCh38, chr15:44,584,227, plus strand): 5'-GCTAAACTATCAAAGGAAAGTTCACCACTAGTTGAGATCTGTCGAGAAAATCTGGGCTCT[G>C]TTTCCTCCTGATTTCTTCCAAGAGTGTGCTGGGTGATGCGGCACAGCCAGATCTGCTTCT-3'
Protein context (NP_079413.3, residues 1808-1828): QHTLGRNQEE[Thr1818Arg]EPRFSRQIST